The following is an entry in ClinVar:

NM_000053.4(ATP7B):c.4021+3dup

Gene: ATP7B (ATPase copper transporting beta; minus strand). Cytogenetic location: 13q14.3.
Variant type: Duplication.
Coding change: c.4021+3dup on transcript NM_000053.4 (MANE Select); 3 bases into the intron after coding-DNA position 4021, one base duplicated (A; older notation c.4021+3dupA).
Molecular consequence: intron variant.
Genome position (GRCh38, 1-based): chr13:51,937,273, T duplicated on the plus strand (A on the coding strand, the reverse complement: ATP7B is on the minus strand). VCF-style (leftmost placement, unchanged base first): chr13-51937272-C-CT. GRCh37 (hg19) VCF-style: chr13-52511408-C-CT.
Other names: c.3688+3dup (NM_001243182.2); c.3400+3dup (NM_001005918.3); c.3769+3dup (NM_001330579.2); c.3787+3dup (NM_001330578.2).
Identifiers: ClinVar variation 2168358 (VCV002168358.1), dbSNP rs754049282, ClinGen allele CA6988517.
Genomic context (GRCh38, chr13:51,937,272, plus strand): 5'-AGGAACCTGGGAGACAGAAGCCTTTCTGGGCGCAGCTGGAGCACAGTGGGTAAGAGCTGC[C>CT]TACCTGCTGCAATGGGTATCCCAACCAGGTTATAAATCAGTGCCAGGACCAGGTTGATGC-3'

ClinVar aggregate classification (germline): Uncertain significance (1 of 4 stars; one submission).

Conditions:
Wilson disease (WND). Also called: Wilson's disease. Identifiers: Orphanet 905, MedGen C0019202, MONDO:0010200, OMIM 277900. Disease mechanism: loss of function.

Allele frequency attached by ClinVar (database versions not stated): TOPMed below 0.00001; ExAC 0.00001; gnomAD 0.00001; gnomAD exomes 0.00003; ESP Exome Variant Server 0.00025.

Submission:

Labcorp Genetics (formerly Invitae), Labcorp
Classification: Uncertain significance for Wilson disease. Last evaluated: 2022-07-30. Review status: criteria provided, single submitter. Criteria: Invitae Variant Classification Sherloc (09022015). Collection method: clinical testing. Allele origin: germline.
Comment: This sequence change falls in intron 19 of the ATP7B gene. It does not directly change the encoded amino acid sequence of the ATP7B protein. It affects a nucleotide within the consensus splice site. This variant is present in population databases (rs754049282, gnomAD 0.002%). This variant has not been reported in the literature in individuals affected with ATP7B-related conditions. Variants that disrupt the consensus splice site are a relatively common cause of aberrant splicing (PMID: 17576681, 9536098). Algorithms developed to predict the effect of sequence changes on RNA splicing suggest that this variant is not likely to affect RNA splicing. In summary, the available evidence is currently insufficient to determine the role of this variant in disease. Therefore, it has been classified as a Variant of Uncertain Significance.

Literature cited by the submitters: PubMed 17576681; PubMed 9536098.